The following is an entry in ClinVar:

ClinVar aggregate classification (germline): Likely pathogenic. Review status: criteria provided, multiple submitters, no conflicts (2 of 4 stars). 8 submissions from 8 submitters: Likely pathogenic (6). 2 of the submissions do not count toward it. Last evaluated 2025-11-21.

Conditions:
Zellweger spectrum disorders (ZS). Also called: Zellweger Spectrum Disorder; Zellweger Spectrum; Zellweger syndrome; Zellweger Spectrum Disorder (ZSD). Identifiers: Orphanet 912, MedGen C0043459, MONDO:0019609.
Peroxisome biogenesis disorder 6A (Zellweger). Also called: Peroxisome biogenesis disorder 6A. Identifiers: Orphanet 912, MedGen C3553947, MONDO:0013936, OMIM 614870.
Peroxisome biogenesis disorder 6B (PBD6B). Identifiers: Orphanet 44, MedGen C3553948, MONDO:0013937, OMIM 614871.
Peroxisome biogenesis disorder, complementation group 7 (CG7). Also called: Peroxisome biogenesis disorder, complementation group B. Identifiers: MedGen C1864399.

Allele frequency attached by ClinVar (database versions not stated): gnomAD exomes below 0.00001; TOPMed 0.00001.
gnomAD v4.1: 1 of 1,613,340 alleles (0.000062%); highest among the groups gnomAD compares: East Asian, 0.0022%; no homozygotes.

Submissions (8):

Natera, Inc.
Classification: Likely pathogenic for Zellweger syndrome. Last evaluated: 2025-11-21. Review status: criteria provided, single submitter. Criteria: Natera Variant Classification Schema (03/2026). Collection method: clinical testing. Allele origin: germline.
Comment: The c.890T>C variant in PEX10 is a missense variant predicted to cause substitution of leucine to proline at amino acid 297. This variant is rare in the general population with a frequency below the threshold expected for the associated phenotype(s). This variant has been observed in one or more individuals affected with the associated recessive disease, as either homozygous or compound heterozygous with a second variant (PMID: 21862673, 35038753). Computational prediction algorithms indicate this variant is likely to affect gene or protein function. Given the available evidence, this variant is classified as Likely Pathogenic.

Fulgent Genetics
Classification: Likely pathogenic for Peroxisome biogenesis disorder 6A (Zellweger); Peroxisome biogenesis disorder 6B. Last evaluated: 2024-03-05. Review status: criteria provided, single submitter. Criteria: ACMG Guidelines, 2015. Collection method: clinical testing. Allele origin: germline.

Labcorp Genetics (formerly Invitae), Labcorp
Classification: Likely pathogenic for Peroxisome biogenesis disorder, complementation group 7. Last evaluated: 2024-01-29. Review status: criteria provided, single submitter. Criteria: Invitae Variant Classification Sherloc (09022015). Collection method: clinical testing. Allele origin: germline.
Comment: This sequence change replaces leucine, which is neutral and non-polar, with proline, which is neutral and non-polar, at codon 297 of the PEX10 protein (p.Leu297Pro). This variant is not present in population databases (gnomAD no frequency). This missense change has been observed in individual(s) with peroxisomal biogenesis disorders (PMID: 19127411, 30640048). In at least one individual the data is consistent with being in trans (on the opposite chromosome) from a pathogenic variant. ClinVar contains an entry for this variant (Variation ID: 162432). An algorithm developed to predict the effect of missense changes on protein structure and function (PolyPhen-2) suggests that this variant is likely to be disruptive. Experimental studies have shown that this missense change affects PEX10 function (PMID: 26319495). In summary, the currently available evidence indicates that the variant is pathogenic, but additional data are needed to prove that conclusively. Therefore, this variant has been classified as Likely Pathogenic.

Baylor Genetics
Classification: Likely pathogenic for Peroxisome biogenesis disorder 6A (Zellweger). Last evaluated: 2024-01-03. Review status: criteria provided, single submitter. Criteria: ACMG Guidelines, 2015. Collection method: clinical testing. Allele origin: unknown.

Revvity Omics, Revvity
Classification: Likely pathogenic. Last evaluated: 2022-06-17. Review status: criteria provided, single submitter. Criteria: ACMG Guidelines, 2015. Collection method: clinical testing. Allele origin: germline.

Juno Genomics, Hangzhou Juno Genomics, Inc
Classification: Likely pathogenic for Peroxisome biogenesis disorder 6A (Zellweger); Peroxisome biogenesis disorder 6B. Review status: criteria provided, single submitter. Criteria: ACMG Guidelines, 2015. Collection method: clinical testing. Allele origin: germline. Affected: yes.
Comment: Absent from controls (or at extremely low frequency if recessive) in Genome Aggregation Database, Exome Sequencing Project, 1000 Genomes Project, or Exome Aggregation Consortium.;Multiple lines of computational evidence support a deleterious effect on the gene or gene product (conservation, evolutionary, splicing impact, etc).;For recessive disorders, detected in trans with a pathogenic variant.;Patient's phenotype or family history is highly specific for a disease with a single genetic etiology.

Counsyl
Classification: Uncertain significance for Peroxisome biogenesis disorder 6A (Zellweger); Peroxisome biogenesis disorder 6B. Last evaluated: 2018-03-08. Review status: no assertion criteria provided. Collection method: clinical testing. Allele origin: unknown. Not counted in ClinVar's aggregate classification.

OMIM
Classification: Pathogenic for PEROXISOME BIOGENESIS DISORDER 6B. Last evaluated: 2009-02-01. Review status: no assertion criteria provided. Collection method: literature only. Allele origin: germline. Not counted in ClinVar's aggregate classification.

Literature cited by the submitters: PubMed 21862673 (cited by Natera, Inc.); PubMed 35038753 (cited by Natera, Inc.); PubMed 19127411 (cited by 3 submitters); PubMed 30640048 (cited by Labcorp Genetics (formerly Invitae), Labcorp); PubMed 26319495 (cited by Labcorp Genetics (formerly Invitae), Labcorp).

NM_002617.4(PEX10):c.830T>C (p.Leu277Pro)

Gene: PEX10 (peroxisomal biogenesis factor 10; minus strand). Cytogenetic location: 1p36.32.
Variant type: single nucleotide variant.
Coding change: c.830T>C on transcript NM_002617.4 (MANE Select); coding-DNA position 830, T replaced by C.
Protein change: p.Leu277Pro; replaces leucine 277 with proline.
Molecular consequence: missense variant. On other transcripts: non-coding transcript variant (1).
Genome position (GRCh38, 1-based): chr1:2,406,566, A>G on the plus strand (T>C on the coding strand, the complement: PEX10 is on the minus strand). VCF-style: chr1-2406566-A-G. GRCh37 (hg19) VCF-style: chr1-2338005-A-G.
Other names: c.887T>C, p.Leu296Pro (NM_001374425.1); c.455T>C, p.Leu152Pro (NM_001374426.1); c.398T>C, p.Leu133Pro (NM_001374427.1); c.890T>C, p.Leu297Pro (NM_153818.2); short protein forms L297P, L277P, L133P, L152P, L296P.
Identifiers: ClinVar variation 162432 (VCV000162432.17), dbSNP rs724160000, ClinGen allele CA175037.